The following is an entry in ClinVar:

ClinVar aggregate classification (germline): Pathogenic (1 of 4 stars; one submission).

Conditions:
ANK1-related disorder. Also called: ANK1-related condition.

Submission:

PreventionGenetics, part of Exact Sciences
Classification: Pathogenic for ANK1-related condition. Last evaluated: 2024-10-23. Review status: criteria provided, single submitter. Criteria: ACMG Guidelines, 2015. Collection method: clinical testing. Allele origin: germline.
Comment: The ANK1 c.2558+1G>A variant is predicted to disrupt the GT donor site and interfere with normal splicing. This variant was reported to occur de novo in an individual with hereditary spherocytosis (Tole et al 2020. PubMed ID: 32436265). This variant has not been reported in gnomAD, indicating this variant is rare. Variants that disrupt the consensus splice donor site in ANK1 are expected to be pathogenic. This variant is interpreted as pathogenic.

NM_000037.4(ANK1):c.2558+1G>A

Gene: ANK1 (ankyrin 1; minus strand). Cytogenetic location: 8p11.21.
Variant type: single nucleotide variant.
Coding change: c.2558+1G>A on transcript NM_000037.4 (MANE Select); the canonical splice donor site of the intron after coding-DNA position 2558, G replaced by A.
Molecular consequence: splice donor variant.
Genome position (GRCh38, 1-based): chr8:41,699,451, C>T on the plus strand (G>A on the coding strand, the complement: ANK1 is on the minus strand). VCF-style: chr8-41699451-C-T. GRCh37 (hg19) VCF-style: chr8-41556969-C-T.
Other names: c.2681+1G>A (NM_001142446.2); c.2558+1G>A (NM_020477.3, NM_020475.3, NM_020476.3).
Identifiers: ClinVar variation 4983516 (VCV004983516.1).